The following is an entry in ClinVar:

ClinVar aggregate classification (germline): Pathogenic. Review status: criteria provided, single submitter (1 of 4 stars). 2 submissions from 2 submitters: Pathogenic (1). 1 of the submissions does not count toward it. Last evaluated 2023-08-09.

Conditions:
HERC1-related disorder. Also called: HERC1-related condition.

gnomAD v4.1: 3 of 1,613,916 alleles (0.00019%); highest among the groups gnomAD compares: Non-Finnish European, 0.00025%; no homozygotes.

Submissions (2):

GeneDx
Classification: Pathogenic. Last evaluated: 2023-08-09. Review status: criteria provided, single submitter. Criteria: GeneDx Variant Classification Process June 2021. Collection method: clinical testing. Allele origin: germline. Affected: yes.
Comment: Nonsense variant predicted to result in protein truncation or nonsense mediated decay in a gene for which loss-of-function is a known mechanism of disease; Not observed in large population cohorts (gnomAD); Has not been previously published as pathogenic or benign to our knowledge

PreventionGenetics, part of Exact Sciences
Classification: Likely pathogenic for HERC1-related condition. Last evaluated: 2023-10-31. Review status: no assertion criteria provided. Collection method: clinical testing. Allele origin: germline. Not counted in ClinVar's aggregate classification.
Comment: The HERC1 c.4396C>T variant is predicted to result in premature protein termination (p.Arg1466*). To our knowledge, this variant has not been reported in the literature or in a large population database, indicating this variant is rare. Nonsense variants in HERC1 are expected to be pathogenic. This variant is interpreted as likely pathogenic.

NM_003922.4(HERC1):c.4396C>T (p.Arg1466Ter)

Gene: HERC1 (HECT and RLD domain containing E3 ubiquitin protein ligase family member 1; minus strand). Cytogenetic location: 15q22.31.
Variant type: single nucleotide variant.
Coding change: c.4396C>T on transcript NM_003922.4 (MANE Select); coding-DNA position 4396, C replaced by T.
Protein change: p.Arg1466Ter; replaces arginine 1466 with a stop codon.
Molecular consequence: nonsense.
Genome position (GRCh38, 1-based): chr15:63,713,420, G>A on the plus strand (C>T on the coding strand, the complement: HERC1 is on the minus strand). VCF-style: chr15-63713420-G-A. GRCh37 (hg19) VCF-style: chr15-64005619-G-A.
Other names: short protein forms R1466*.
Identifiers: ClinVar variation 2577836 (VCV002577836.3), dbSNP rs776053920, ClinGen allele CA392752815.